The following is an entry in ClinVar:

NM_001177316.2(SLC34A3):c.*14A>T

Genes: SLC34A3 (solute carrier family 34 member 3; plus strand), LOC130003098 (ATAC-STARR-seq lymphoblastoid silent region 20596; plus strand). Cytogenetic location: 9q34.3.
Variant type: single nucleotide variant.
Coding change: c.*14A>T on transcript NM_001177316.2 (MANE Select); 14 bases downstream of the stop codon, A replaced by T.
Molecular consequence: 3 prime UTR variant.
Genome position (GRCh38, 1-based): chr9:137,236,430, A>T. VCF-style: chr9-137236430-A-T. GRCh37 (hg19) VCF-style: chr9-140130882-A-T.
Other names: c.*14A>T (NM_001177317.2, NM_080877.3).
Identifiers: ClinVar variation 1705043 (VCV001705043.2), dbSNP rs28591989, ClinGen allele CA5365043.

ClinVar aggregate classification (germline): Benign/Likely benign. Review status: criteria provided, multiple submitters, no conflicts (2 of 4 stars). 2 submissions from 2 submitters: Benign (1); Likely benign (1). Last evaluated 2024-11-22.

Allele frequency attached by ClinVar (database versions not stated): 1000 Genomes Project 30x 0.00062.
gnomAD v4.1: 3,693 of 1,534,680 alleles (0.24%); highest among the groups gnomAD compares: Non-Finnish European, 0.3%; 6 homozygotes.

Submissions (2):

Blueprint Genetics
Classification: Likely benign. Last evaluated: 2024-11-22. Review status: criteria provided, single submitter. Criteria: ACMG Guidelines, 2015. Collection method: clinical testing. Allele origin: germline.

Women's Health and Genetics/Laboratory Corporation of America, LabCorp
Classification: Benign. Last evaluated: 2022-08-04. Review status: criteria provided, single submitter. Criteria: LabCorp Variant Classification Summary - May 2015. Collection method: clinical testing. Allele origin: germline.
Comment: Variant summary: SLC34A3 c.*14A>T is located in the untranslated mRNA region downstream of the termination codon. The variant allele was found at a frequency of 0.0015 in 142348 control chromosomes, predominantly at a frequency of 0.0026 within the Non-Finnish European subpopulation in the gnomAD database. The observed variant frequency within Non-Finnish European control individuals in the gnomAD database is approximately 1.5 fold of the estimated maximal expected allele frequency for a pathogenic variant in SLC34A3 causing Hereditary Hypophosphatemic Rickets With Hypercalciuria phenotype (0.0018), strongly suggesting that the variant is a benign polymorphism found primarily in populations of Non-Finnish European origin. To our knowledge, no occurrence of c.*14A>T in individuals affected with Hereditary Hypophosphatemic Rickets With Hypercalciuria and no experimental evidence demonstrating its impact on protein function have been reported. No clinical diagnostic laboratories have submitted clinical-significance assessments for this variant to ClinVar after 2014. Based on the evidence outlined above, the variant was classified as benign.